The following is an entry in ClinVar:

ClinVar aggregate classification (germline): Uncertain significance. Review status: criteria provided, multiple submitters, no conflicts (2 of 4 stars). 4 submissions from 4 submitters: Uncertain significance (4). Last evaluated 2025-07-18.

Conditions:
CEP164-related disorder. Also called: CEP164-related condition.
Nephronophthisis 15 (NPHP15). Identifiers: Orphanet 3156, MedGen C3541853, MONDO:0013917, OMIM 614845.

Allele frequency attached by ClinVar (database versions not stated): gnomAD 0.00001; gnomAD exomes 0.00002; ExAC 0.00003; TOPMed 0.00004.
gnomAD v4.1: 37 of 1,612,532 alleles (0.0023%); highest among the groups gnomAD compares: Non-Finnish European, 0.0028%; no homozygotes.

Submissions (4):

PreventionGenetics, part of Exact Sciences
Classification: Uncertain significance for CEP164-related condition. Last evaluated: 2025-07-18. Review status: criteria provided, single submitter. Criteria: ACMG Guidelines, 2015. Collection method: clinical testing. Allele origin: germline.
Comment: The CEP164 c.3485G>A variant is predicted to result in the amino acid substitution p.Arg1162His. To our knowledge, this variant has not been reported in the literature. This variant is reported in 0.0045% of alleles in individuals of European (Non-Finnish) descent in gnomAD. At this time, the clinical significance of this variant is uncertain due to the absence of conclusive functional and genetic evidence.

Blueprint Genetics
Classification: Uncertain significance. Last evaluated: 2024-05-06. Review status: criteria provided, single submitter. Criteria: ACMG Guidelines, 2015. Collection method: clinical testing. Allele origin: germline.

Labcorp Genetics (formerly Invitae), Labcorp
Classification: Uncertain significance for Nephronophthisis 15. Last evaluated: 2024-01-22. Review status: criteria provided, single submitter. Criteria: Invitae Variant Classification Sherloc (09022015). Collection method: clinical testing. Allele origin: germline.
Comment: This sequence change replaces arginine, which is basic and polar, with histidine, which is basic and polar, at codon 1162 of the CEP164 protein (p.Arg1162His). This variant is present in population databases (rs758759503, gnomAD 0.005%). This variant has not been reported in the literature in individuals affected with CEP164-related conditions. ClinVar contains an entry for this variant (Variation ID: 935408). Advanced modeling of protein sequence and biophysical properties (such as structural, functional, and spatial information, amino acid conservation, physicochemical variation, residue mobility, and thermodynamic stability) performed at Invitae indicates that this missense variant is not expected to disrupt CEP164 protein function with a negative predictive value of 80%. In summary, the available evidence is currently insufficient to determine the role of this variant in disease. Therefore, it has been classified as a Variant of Uncertain Significance.

Fulgent Genetics
Classification: Uncertain significance for Nephronophthisis 15. Last evaluated: 2021-07-07. Review status: criteria provided, single submitter. Criteria: ACMG Guidelines, 2015. Collection method: clinical testing. Allele origin: unknown.

NM_014956.5(CEP164):c.3485G>A (p.Arg1162His)

Gene: CEP164 (centrosomal protein 164; plus strand). Cytogenetic location: 11q23.3.
Variant type: single nucleotide variant.
Coding change: c.3485G>A on transcript NM_014956.5 (MANE Select); coding-DNA position 3485, G replaced by A.
Protein change: p.Arg1162His; replaces arginine 1162 with histidine.
Molecular consequence: missense variant.
Genome position (GRCh38, 1-based): chr11:117,397,297, G>A. VCF-style: chr11-117397297-G-A. GRCh37 (hg19) VCF-style: chr11-117268013-G-A.
Other names: c.3494G>A, p.Arg1165His (NM_001271933.2); short protein forms R1162H, R1165H.
Identifiers: ClinVar variation 935408 (VCV000935408.8), dbSNP rs758759503, ClinGen allele CA6295462.